The following is an entry in ClinVar:

ClinVar aggregate classification (germline): Uncertain significance (1 of 4 stars; one submission).

Conditions:
Lethal multiple pterygium syndrome (LMPS). Identifiers: Orphanet 33108, MedGen C1854678, MONDO:0009668, OMIM 253290.

Submission:

Labcorp Genetics (formerly Invitae), Labcorp
Classification: Uncertain significance for Lethal multiple pterygium syndrome. Last evaluated: 2022-10-24. Review status: criteria provided, single submitter. Criteria: Invitae Variant Classification Sherloc (09022015). Collection method: clinical testing. Allele origin: germline.
Comment: In summary, the available evidence is currently insufficient to determine the role of this variant in disease. Therefore, it has been classified as a Variant of Uncertain Significance. Algorithms developed to predict the effect of sequence changes on RNA splicing suggest that this variant may disrupt the consensus splice site. This variant has not been reported in the literature in individuals affected with CHRNA1-related conditions. This variant is not present in population databases (gnomAD no frequency). This sequence change affects codon 116 of the CHRNA1 mRNA. It is a 'silent' change, meaning that it does not change the encoded amino acid sequence of the CHRNA1 protein.

NM_000079.4(CHRNA1):c.348A>C (p.Ala116=)

Gene: CHRNA1 (cholinergic receptor nicotinic alpha 1 subunit; minus strand). Cytogenetic location: 2q31.1.
Variant type: single nucleotide variant.
Coding change: c.348A>C on transcript NM_000079.4 (MANE Select); coding-DNA position 348, A replaced by C.
Protein change: p.Ala116=; no amino-acid change (alanine 116 retained).
Molecular consequence: synonymous variant.
Genome position (GRCh38, 1-based): chr2:174,754,411, T>G on the plus strand (A>C on the coding strand, the complement: CHRNA1 is on the minus strand). VCF-style: chr2-174754411-T-G. GRCh37 (hg19) VCF-style: chr2-175619139-T-G.
Other names: c.423A>C, p.Ala141= (NM_001039523.3).
Identifiers: ClinVar variation 2036262 (VCV002036262.4), dbSNP rs2468895352, ClinGen allele CA430023182.
Genomic context (GRCh38, chr2:174,754,411, plus strand): 5'-GATGTGGCCAGTGTACTGCAGGAGCACTTTGGTGAACTTGACAATAGCAAAGTCACCATC[T>G]GCACTACAATTGGGATAAAAGAGGAAAATGGCTCCAAGTGACAGATGAGCCTTCCATTCT-3'
Protein context (NP_000070.1, residues 106-126): WRPDLVLYNN[Ala116=]DGDFAIVKFT